The following is an entry in ClinVar:

ClinVar aggregate classification (germline): Likely benign. Review status: criteria provided, multiple submitters, no conflicts (2 of 4 stars). 2 submissions from 2 submitters: Likely benign (2). Last evaluated 2025-10-28.

Conditions:
EYS-related disorder. Also called: EYS-related condition.

Allele frequency attached by ClinVar (database versions not stated): gnomAD exomes 0.00001; gnomAD 0.00002.
gnomAD v4.1: 14 of 1,520,982 alleles (0.00092%); highest among the groups gnomAD compares: African/African-American, 0.0071%; no homozygotes.

Submissions (2):

PreventionGenetics, part of Exact Sciences
Classification: Likely benign for EYS-related condition. Last evaluated: 2025-10-28. Review status: criteria provided, single submitter. Criteria: ACMG Guidelines, 2015. Collection method: clinical testing. Allele origin: germline.
Comment: This variant is classified as likely benign based on ACMG/AMP sequence variant interpretation guidelines (Richards et al. 2015 PMID: 25741868, with internal and published modifications).

Labcorp Genetics (formerly Invitae), Labcorp
Classification: Likely benign. Last evaluated: 2025-09-24. Review status: criteria provided, single submitter. Criteria: Invitae Variant Classification Sherloc (09022015). Collection method: clinical testing. Allele origin: germline.

NM_001142800.2(EYS):c.7579-5C>T

Gene: EYS (EGF-like photoreceptor maintenance factor; minus strand). Cytogenetic location: 6q12.
Variant type: single nucleotide variant.
Coding change: c.7579-5C>T on transcript NM_001142800.2 (MANE Select); 5 bases into the intron before coding-DNA position 7579, C replaced by T.
Molecular consequence: intron variant.
Genome position (GRCh38, 1-based): chr6:63,788,254, G>A on the plus strand (C>T on the coding strand, the complement: EYS is on the minus strand). VCF-style: chr6-63788254-G-A. GRCh37 (hg19) VCF-style: chr6-64498147-G-A.
Other names: c.7579-5C>T (NM_001292009.2, NM_001142800.1).
Identifiers: ClinVar variation 1126991 (VCV001126991.10), dbSNP rs948852415, ClinGen allele CA140243945.